The following is an entry in ClinVar:

ClinVar aggregate classification (germline): Likely benign. Review status: criteria provided, multiple submitters, no conflicts (2 of 4 stars). 3 submissions from 3 submitters: Likely benign (3). Last evaluated 2025-09-08.

Conditions:
Autosomal dominant nocturnal frontal lobe epilepsy 5. Also called: CILIARY DYSKINESIA, PRIMARY, 28, WITHOUT SITUS INVERSUS; Epilepsy, nocturnal frontal lobe, 5; KCNT1-Related Epilepsy; CILIARY DYSKINESIA, PRIMARY, 28, WITH SITUS INVERSUS. Identifiers: Orphanet 98784, MedGen C3554306, MONDO:0014002, OMIM 615005.
Developmental and epileptic encephalopathy, 14 (DEE14). Also called: Early infantile epileptic encephalopathy 14. Identifiers: Orphanet 293181, MedGen C3554195, MONDO:0013989, OMIM 614959.

Allele frequency attached by ClinVar (database versions not stated): TOPMed 0.00003; ExAC 0.00005; gnomAD 0.00005; gnomAD exomes 0.00006; ESP Exome Variant Server 0.00015.
gnomAD v4.1: 101 of 1,611,526 alleles (0.0063%); highest among the groups gnomAD compares: Non-Finnish European, 0.0077%; no homozygotes.

Submissions (3):

Labcorp Genetics (formerly Invitae), Labcorp
Classification: Likely benign for Autosomal dominant nocturnal frontal lobe epilepsy 5; Developmental and epileptic encephalopathy, 14. Last evaluated: 2025-09-08. Review status: criteria provided, single submitter. Criteria: Invitae Variant Classification Sherloc (09022015). Collection method: clinical testing. Allele origin: germline.

Women's Health and Genetics/Laboratory Corporation of America, LabCorp
Classification: Likely benign. Last evaluated: 2025-02-21. Review status: criteria provided, single submitter. Criteria: LabCorp Variant Classification Summary - May 2015. Collection method: clinical testing. Allele origin: germline.
Comment: Variant summary: KCNT1 c.77C>T (p.Thr26Ile) results in a non-conservative amino acid change in the encoded protein sequence. Four of five in-silico tools predict a benign effect of the variant on protein function. The variant allele was found at a frequency of 5.7e-05 in 244640 control chromosomes. This frequency is not significantly higher than estimated for a pathogenic variant in KCNT1 causing Developmental And Epileptic Encephalopathy, 14, allowing no conclusion about variant significance. To our knowledge, no occurrence of c.77C>T in individuals affected with Developmental And Epileptic Encephalopathy, 14 and no experimental evidence demonstrating its impact on protein function have been reported. ClinVar contains an entry for this variant (Variation ID: 1212415). Based on the evidence outlined above, the variant was classified as likely benign.

GeneDx
Classification: Likely benign. Last evaluated: 2021-04-27. Review status: criteria provided, single submitter. Criteria: GeneDx Variant Classification Process June 2021. Collection method: clinical testing. Allele origin: germline. Affected: yes.

NM_020822.3(KCNT1):c.77C>T (p.Thr26Ile)

Gene: KCNT1 (potassium sodium-activated channel subfamily T member 1; plus strand). Cytogenetic location: 9q34.3.
Variant type: single nucleotide variant.
Coding change: c.77C>T on transcript NM_020822.3 (MANE Select); coding-DNA position 77, C replaced by T.
Protein change: p.Thr26Ile; replaces threonine 26 with isoleucine.
Molecular consequence: missense variant.
Genome position (GRCh38, 1-based): chr9:135,702,335, C>T. VCF-style: chr9-135702335-C-T. GRCh37 (hg19) VCF-style: chr9-138594181-C-T.
Other names: c.77C>T, p.Thr26Ile (NM_001272003.2); short protein forms T26I.
Identifiers: ClinVar variation 1212415 (VCV001212415.12), dbSNP rs143015526, ClinGen allele CA5326246.